The following is an entry in ClinVar:

ClinVar aggregate classification (germline): Uncertain significance (1 of 4 stars; one submission).

Conditions:
Hyperphosphatasia with impaired intellectual development syndrome 2. Also called: Hyperphosphatasia with intellectual disability syndrome 2; GLYCOSYLPHOSPHATIDYLINOSITOL BIOSYNTHESIS DEFECT 6. Identifiers: Orphanet 247262, MedGen C3553637, MONDO:0013882, OMIM 614749.

Allele frequency attached by ClinVar (database versions not stated): gnomAD exomes below 0.00001; ExAC 0.00001.
gnomAD v4.1: 1 of 1,613,780 alleles (0.000062%); highest among the groups gnomAD compares: Non-Finnish European, 0.000085%; no homozygotes.

Submission:

Labcorp Genetics (formerly Invitae), Labcorp
Classification: Uncertain significance for Hyperphosphatasia with impaired intellectual development syndrome 2. Last evaluated: 2020-12-30. Review status: criteria provided, single submitter. Criteria: Invitae Variant Classification Sherloc (09022015). Collection method: clinical testing. Allele origin: germline.
Comment: This sequence change replaces proline with alanine at codon 762 of the PIGO protein (p.Pro762Ala). The proline residue is highly conserved and there is a small physicochemical difference between proline and alanine. This variant is present in population databases (rs752700560, ExAC 0.002%). This variant has not been reported in the literature in individuals with PIGO-related conditions. Algorithms developed to predict the effect of missense changes on protein structure and function are either unavailable or do not agree on the potential impact of this missense change (SIFT: "Tolerated"; PolyPhen-2: "Probably Damaging"; Align-GVGD: "Class C0"). In summary, the available evidence is currently insufficient to determine the role of this variant in disease. Therefore, it has been classified as a Variant of Uncertain Significance.

NM_032634.4(PIGO):c.2284C>G (p.Pro762Ala)

Gene: PIGO (phosphatidylinositol glycan anchor biosynthesis class O; minus strand). Cytogenetic location: 9p13.3.
Variant type: single nucleotide variant.
Coding change: c.2284C>G on transcript NM_032634.4 (MANE Select); coding-DNA position 2284, C replaced by G.
Protein change: p.Pro762Ala; replaces proline 762 with alanine.
Molecular consequence: missense variant. On other transcripts: intron variant (2).
Genome position (GRCh38, 1-based): chr9:35,091,603, G>C on the plus strand (C>G on the coding strand, the complement: PIGO is on the minus strand). VCF-style: chr9-35091603-G-C. GRCh37 (hg19) VCF-style: chr9-35091600-G-C.
Other names: c.1345-312C>G (NM_152850.4, NM_001201484.2); short protein forms P762A.
Identifiers: ClinVar variation 1513394 (VCV001513394.7), dbSNP rs752700560, ClinGen allele CA5040454.